The following is an entry in ClinVar:

ClinVar aggregate classification (germline): Pathogenic/Likely pathogenic. Review status: criteria provided, multiple submitters, no conflicts (2 of 4 stars). 2 submissions from 2 submitters: Pathogenic (1); Likely pathogenic (1). Last evaluated 2024-04-09.

Conditions:
Arginase deficiency. Also called: Arginase 1 Deficiency; ARGININEMIA; ARG1 DEFICIENCY. Identifiers: Orphanet 90, MedGen C0268548, MONDO:0008814, OMIM 207800.

Submissions (2):

Myriad Genetics, Inc.
Classification: Pathogenic for Arginase deficiency. Last evaluated: 2024-04-09. Review status: criteria provided, single submitter. Criteria: Myriad Autosomal Dominant, Autosomal Recessive and X-Linked Classification Criteria (2023). Collection method: clinical testing. Allele origin: unknown.
Comment: NM_000045.3(ARG1):c.541_542delGA(D181Rfs*15) is expected to be pathogenic in the context of argininemia. This variant is predicted to lead to an abnormal or absent protein product due to the creation of a premature termination codon in ARG1, a gene where loss-of-function variants are known to be pathogenic. Please note: this variant was assessed in the context of healthy population screening.

Baylor Genetics
Classification: Likely pathogenic for Arginase deficiency. Last evaluated: 2024-01-11. Review status: criteria provided, single submitter. Criteria: ACMG Guidelines, 2015. Collection method: clinical testing. Allele origin: unknown.

NM_000045.4(ARG1):c.541_542del (p.Asp181fs)

Genes: ARG1 (arginase 1; plus strand), MED23 (mediator complex subunit 23; minus strand). Cytogenetic location: 6q23.2.
Variant type: Microsatellite.
Coding change: c.541_542del on transcript NM_000045.4 (MANE Select); coding-DNA positions 541 to 542, 2 bases deleted (GA; older notation c.541_542delGA).
Protein change: p.Asp181fs; shifts the reading frame from aspartic acid 181.
Molecular consequence: frameshift variant. On other transcripts: intron variant (3), non-coding transcript variant (1).
Genome position (GRCh38, 1-based): chr6:131,582,696-131,582,697, GA deleted; deleting any 2 consecutive bases within chr6:131,582,692-131,582,697 gives the same sequence; the c. name uses the placement nearest the transcript's 3' end. VCF-style (leftmost placement, unchanged base first): chr6-131582691-TGA-T. GRCh37 (hg19) VCF-style: chr6-131903831-TGA-T.
Other names: c.4095+5012TC[2] (NM_015979.4); c.565_566del, p.Asp189fs (NM_001244438.2); c.306-368GA[2] (NM_001369020.1); c.4077+5012TC[2] (NM_001270521.2); short protein forms D181fs, D189fs.
Identifiers: ClinVar variation 3240321 (VCV003240321.2), dbSNP rs2482379821.